The following is an entry in ClinVar:

ClinVar aggregate classification (germline): Likely benign (1 of 4 stars; one submission).

Allele frequency attached by ClinVar (database versions not stated): gnomAD 0.01299 and 0.01394; TOPMed 0.01518; 1000 Genomes Project 0.01637; 1000 Genomes Project 30x 0.01686.
gnomAD v4.1: 1,957 of 152,132 alleles (1.3%); highest among the groups gnomAD compares: African/African-American, 4.4%; 51 homozygotes.

Submission:

GeneDx
Classification: Likely benign. Last evaluated: 2018-06-18. Review status: criteria provided, single submitter. Criteria: GeneDx Variant Classification (06012015). Collection method: clinical testing. Allele origin: germline. Affected: yes.
Comment: This variant is considered likely benign or benign based on one or more of the following criteria: it is a conservative change, it occurs at a poorly conserved position in the protein, it is predicted to be benign by multiple in silico algorithms, and/or has population frequency not consistent with disease.

NM_000051.4(ATM):c.1236-193C>T

Gene: ATM (ATM serine/threonine kinase; plus strand). Cytogenetic location: 11q22.3.
Variant type: single nucleotide variant.
Coding change: c.1236-193C>T on transcript NM_000051.4 (MANE Select); 193 bases into the intron before coding-DNA position 1236, C replaced by T.
Molecular consequence: intron variant.
Genome position (GRCh38, 1-based): chr11:108,250,508, C>T. VCF-style: chr11-108250508-C-T. GRCh37 (hg19) VCF-style: chr11-108121235-C-T.
Other names: c.1236-193C>T (NM_001351834.2).
Identifiers: ClinVar variation 678198 (VCV000678198.1), dbSNP rs4987942, ClinGen allele CA228390647.